The following is an entry in ClinVar:

ClinVar aggregate classification (germline): Uncertain significance (1 of 4 stars; one submission).

Allele frequency attached by ClinVar (database versions not stated): gnomAD exomes below 0.00001.
gnomAD v4.1: 5 of 1,584,086 alleles (0.00032%); highest among the groups gnomAD compares: Non-Finnish European, 0.00043%; no homozygotes.

Submission:

Labcorp Genetics (formerly Invitae), Labcorp
Classification: Uncertain significance. Last evaluated: 2022-06-17. Review status: criteria provided, single submitter. Criteria: Invitae Variant Classification Sherloc (09022015). Collection method: clinical testing. Allele origin: germline.
Comment: In summary, the available evidence is currently insufficient to determine the role of this variant in disease. Therefore, it has been classified as a Variant of Uncertain Significance. Algorithms developed to predict the effect of missense changes on protein structure and function (SIFT, PolyPhen-2, Align-GVGD) all suggest that this variant is likely to be tolerated. This variant has not been reported in the literature in individuals affected with SLC25A42-related conditions. This variant is not present in population databases (gnomAD no frequency). This sequence change replaces histidine, which is basic and polar, with arginine, which is basic and polar, at codon 215 of the SLC25A42 protein (p.His215Arg).

NM_178526.5(SLC25A42):c.644A>G (p.His215Arg)

Gene: SLC25A42 (solute carrier family 25 member 42; plus strand). Cytogenetic location: 19p13.11.
Variant type: single nucleotide variant.
Coding change: c.644A>G on transcript NM_178526.5 (MANE Select); coding-DNA position 644, A replaced by G.
Protein change: p.His215Arg; replaces histidine 215 with arginine.
Molecular consequence: missense variant.
Genome position (GRCh38, 1-based): chr19:19,108,040, A>G. VCF-style: chr19-19108040-A-G. GRCh37 (hg19) VCF-style: chr19-19218849-A-G.
Other names: c.644A>G, p.His215Arg (NM_001321544.2); short protein forms H215R.
Identifiers: ClinVar variation 2032931 (VCV002032931.2), dbSNP rs921374052, ClinGen allele CA306289701.